The following is an entry in ClinVar:

NM_017950.4(CCDC40):c.1249G>A (p.Val417Met)

Gene: CCDC40 (coiled-coil domain 40 molecular ruler complex subunit; plus strand). Cytogenetic location: 17q25.3.
Variant type: single nucleotide variant.
Coding change: c.1249G>A on transcript NM_017950.4 (MANE Select); coding-DNA position 1249, G replaced by A.
Protein change: p.Val417Met; replaces valine 417 with methionine.
Molecular consequence: missense variant.
Genome position (GRCh38, 1-based): chr17:80,058,583, G>A. VCF-style: chr17-80058583-G-A. GRCh37 (hg19) VCF-style: chr17-78032382-G-A.
Other names: c.1249G>A, p.Val417Met (NM_001243342.2, NM_001330508.2); short protein forms V417M.
Identifiers: ClinVar variation 454875 (VCV000454875.8), dbSNP rs535461092, ClinGen allele CA8813751.

ClinVar aggregate classification (germline): Uncertain significance (1 of 4 stars; one submission).

Conditions:
Primary ciliary dyskinesia. Also called: Ciliary dyskinesia. Identifiers: Orphanet 244, MedGen C0008780, MONDO:0016575, HP:0012265.

Allele frequency attached by ClinVar (database versions not stated): 1000 Genomes Project 30x 0.00016; 1000 Genomes Project 0.00020.
gnomAD v4.1: 33 of 1,614,168 alleles (0.002%); highest among the groups gnomAD compares: South Asian, 0.0099%; no homozygotes.

Submission:

Labcorp Genetics (formerly Invitae), Labcorp
Classification: Uncertain significance for Primary ciliary dyskinesia. Last evaluated: 2024-05-15. Review status: criteria provided, single submitter. Criteria: Invitae Variant Classification Sherloc (09022015). Collection method: clinical testing. Allele origin: germline.
Comment: This sequence change replaces valine, which is neutral and non-polar, with methionine, which is neutral and non-polar, at codon 417 of the CCDC40 protein (p.Val417Met). This variant is present in population databases (rs535461092, gnomAD 0.003%). This variant has not been reported in the literature in individuals affected with CCDC40-related conditions. ClinVar contains an entry for this variant (Variation ID: 454875). Advanced modeling of protein sequence and biophysical properties (such as structural, functional, and spatial information, amino acid conservation, physicochemical variation, residue mobility, and thermodynamic stability) performed at Invitae indicates that this missense variant is expected to disrupt CCDC40 protein function with a positive predictive value of 80%. In summary, the available evidence is currently insufficient to determine the role of this variant in disease. Therefore, it has been classified as a Variant of Uncertain Significance.